The following is an entry in ClinVar:

NM_024757.5(EHMT1):c.1064A>C (p.Glu355Ala)

Gene: EHMT1 (euchromatic histone lysine methyltransferase 1; plus strand). Cytogenetic location: 9q34.3.
Variant type: single nucleotide variant.
Coding change: c.1064A>C on transcript NM_024757.5 (MANE Select); coding-DNA position 1064, A replaced by C.
Protein change: p.Glu355Ala; replaces glutamic acid 355 with alanine.
Molecular consequence: missense variant.
Genome position (GRCh38, 1-based): chr9:137,743,984, A>C. VCF-style: chr9-137743984-A-C. GRCh37 (hg19) VCF-style: chr9-140638436-A-C.
Other names: c.1043A>C, p.Glu348Ala (NM_001354263.2); c.1064A>C, p.Glu355Ala (NM_001354611.2, NM_001145527.2); c.971A>C, p.Glu324Ala (NM_001354612.2, NM_001354259.2); short protein forms E324A, E348A, E355A.
Identifiers: ClinVar variation 2847916 (VCV002847916.3), dbSNP rs2541617696, ClinGen allele CA375779400.

ClinVar aggregate classification (germline): Uncertain significance (1 of 4 stars; one submission).

Conditions:
Kleefstra syndrome 1 (KLEFS1). Identifiers: Orphanet 261494, MedGen C0795833, MONDO:0027407, OMIM 610253.

Allele frequency attached by ClinVar (database versions not stated): gnomAD exomes 0.00001.
gnomAD v4.1: 13 of 1,614,026 alleles (0.00081%); highest among the groups gnomAD compares: Non-Finnish European, 0.0011%; no homozygotes.

Submission:

Labcorp Genetics (formerly Invitae), Labcorp
Classification: Uncertain significance for Kleefstra syndrome 1. Last evaluated: 2025-02-25. Review status: criteria provided, single submitter. Criteria: Invitae Variant Classification Sherloc (09022015). Collection method: clinical testing. Allele origin: germline.
Comment: This sequence change replaces glutamic acid, which is acidic and polar, with alanine, which is neutral and non-polar, at codon 355 of the EHMT1 protein (p.Glu355Ala). This variant is not present in population databases (gnomAD no frequency). This variant has not been reported in the literature in individuals affected with EHMT1-related conditions. ClinVar contains an entry for this variant (Variation ID: 2847916). Invitae Evidence Modeling of protein sequence and biophysical properties (such as structural, functional, and spatial information, amino acid conservation, physicochemical variation, residue mobility, and thermodynamic stability) indicates that this missense variant is not expected to disrupt EHMT1 protein function with a negative predictive value of 80%. In summary, the available evidence is currently insufficient to determine the role of this variant in disease. Therefore, it has been classified as a Variant of Uncertain Significance.